The following is an entry in ClinVar:

NM_001276309.3(NOL3):c.227T>A (p.Leu76Gln)

Gene: NOL3 (nucleolar protein 3; plus strand). Cytogenetic location: 16q22.1.
Variant type: single nucleotide variant.
Coding change: c.227T>A on transcript NM_001276309.3 (MANE Select); coding-DNA position 227, T replaced by A.
Protein change: p.Leu76Gln; replaces leucine 76 with glutamine.
Molecular consequence: missense variant. On other transcripts: intron variant (4).
Genome position (GRCh38, 1-based): chr16:67,174,396, T>A. VCF-style: chr16-67174396-T-A. GRCh37 (hg19) VCF-style: chr16-67208299-T-A.
Other names: c.227T>A, p.Leu76Gln (NM_001185057.3, NM_001276307.3, NM_001276312.3 and 5 more transcripts); c.171+56T>A (NM_001394975.1, NM_001394976.1, NM_001394974.1 and 1 more transcripts); short protein forms L76Q.
Identifiers: ClinVar variation 3069016 (VCV003069016.2), dbSNP rs1304391083, ClinGen allele CA396282494.

ClinVar aggregate classification (germline): Uncertain significance (1 of 4 stars; one submission).

Allele frequency attached by ClinVar (database versions not stated): gnomAD exomes 0.00001.
gnomAD v4.1: 4 of 1,552,578 alleles (0.00026%); highest among the groups gnomAD compares: Admixed American, 0.0057%; no homozygotes.

Submission:

Women's Health and Genetics/Laboratory Corporation of America, LabCorp
Classification: Uncertain significance. Last evaluated: 2024-02-07. Review status: criteria provided, single submitter. Criteria: LabCorp Variant Classification Summary - May 2015. Collection method: clinical testing. Allele origin: germline.
Comment: Variant summary: NOL3 c.227T>A (p.Leu76Gln) results in a non-conservative amino acid change located in the CARD domain (IPR001315) of the encoded protein sequence. Three of five in-silico tools predict a damaging effect of the variant on protein function. The variant allele was found at a frequency of 1.9e-05 in 160314 control chromosomes. The available data on variant occurrences in the general population are insufficient to allow any conclusion about variant significance. To our knowledge, no occurrence of c.227T>A in individuals affected with Myoclonus, Familial, 1 and no experimental evidence demonstrating its impact on protein function have been reported. No submitters have cited clinical-significance assessments for this variant to ClinVar. Based on the evidence outlined above, the variant was classified as uncertain significance.